The following is an entry in ClinVar:

NM_020166.5(MCCC1):c.877G>A (p.Gly293Ser)

Gene: MCCC1 (methylcrotonyl-CoA carboxylase subunit 1; minus strand). Cytogenetic location: 3q27.1.
Variant type: single nucleotide variant.
Coding change: c.877G>A on transcript NM_020166.5 (MANE Select); coding-DNA position 877, G replaced by A.
Protein change: p.Gly293Ser; replaces glycine 293 with serine.
Molecular consequence: missense variant. On other transcripts: non-coding transcript variant (2).
Genome position (GRCh38, 1-based): chr3:183,052,237, C>T on the plus strand (G>A on the coding strand, the complement: MCCC1 is on the minus strand). VCF-style: chr3-183052237-C-T. GRCh37 (hg19) VCF-style: chr3-182770025-C-T.
Other names: c.526G>A, p.Gly176Ser (NM_001293273.2); c.550G>A, p.Gly184Ser (NM_001363880.1); c.877G>A (NM_020166.3); short protein forms G176S, G184S, G293S.
Identifiers: ClinVar variation 1025169 (VCV001025169.9), dbSNP rs974953181, ClinGen allele CA355326770.
Genomic context (GRCh38, chr3:183,052,237, plus strand): 5'-CAGCTTTAGCAGCTCTGACTGCAGCTTCTCCCAGCTTTTTTCTTACTTCAGATTTAATAC[C>T]AGGCTATGAAAAAAATATGTAAATAAATCTCCATTAGTAGCTTGCCTTACTAGAAATTCC-3'
Protein context (NP_064551.3, residues 283-303): QKIIEEAPAP[Gly293Ser]IKSEVRKKLG

ClinVar aggregate classification (germline): Uncertain significance. Review status: criteria provided, multiple submitters, no conflicts (2 of 4 stars). 3 submissions from 3 submitters: Uncertain significance (2). 1 of the submissions does not count toward it. Last evaluated 2025-06-22.

Conditions:
3-methylcrotonyl-CoA carboxylase 1 deficiency (MCC1D). Also called: MCC 1 deficiency; 3 Alpha methylcrotonylglycinuria 1; MCCD TYPE 1; METHYLCROTONYLGLYCINURIA TYPE I. Identifiers: Orphanet 6, MedGen CN028786, MONDO:0008861, OMIM 210200.
Inborn genetic diseases. Identifiers: MedGen C0950123, MeSH D030342.

Allele frequency attached by ClinVar (database versions not stated): gnomAD exomes 0.00001; TOPMed 0.00001.

Submissions (3):

Labcorp Genetics (formerly Invitae), Labcorp
Classification: Uncertain significance for 3-methylcrotonyl-CoA carboxylase 1 deficiency. Last evaluated: 2025-06-22. Review status: criteria provided, single submitter. Criteria: Invitae Variant Classification Sherloc (09022015). Collection method: clinical testing. Allele origin: germline.
Comment: This sequence change replaces glycine, which is neutral and non-polar, with serine, which is neutral and polar, at codon 293 of the MCCC1 protein (p.Gly293Ser). This variant is present in population databases (no rsID available, gnomAD 0.002%). This variant has not been reported in the literature in individuals affected with MCCC1-related conditions. ClinVar contains an entry for this variant (Variation ID: 1025169). Invitae Evidence Modeling of protein sequence and biophysical properties (such as structural, functional, and spatial information, amino acid conservation, physicochemical variation, residue mobility, and thermodynamic stability) has been performed for this missense variant. However, the output from this modeling did not meet the statistical confidence thresholds required to predict the impact of this variant on MCCC1 protein function. In summary, the available evidence is currently insufficient to determine the role of this variant in disease. Therefore, it has been classified as a Variant of Uncertain Significance.

Ambry Genetics
Classification: Uncertain significance for Inborn genetic diseases. Last evaluated: 2024-06-17. Review status: criteria provided, single submitter. Criteria: Ambry Variant Classification Scheme 2023. Collection method: clinical testing. Allele origin: germline.

Natera, Inc.
Classification: Uncertain significance for 3-methylcrotonyl-CoA carboxylase 1 deficiency. Last evaluated: 2020-03-03. Review status: no assertion criteria provided. Collection method: clinical testing. Allele origin: germline. Not counted in ClinVar's aggregate classification.